The following is an entry in ClinVar:

ClinVar aggregate classification (germline): Conflicting classifications of pathogenicity. Review status: criteria provided, conflicting classifications (1 of 4 stars). 2 submissions from 2 submitters: Uncertain significance (1); Likely benign (1). Last evaluated 2025-10-02.

Conditions:
Inborn genetic diseases. Identifiers: MedGen C0950123, MeSH D030342.

Allele frequency attached by ClinVar (database versions not stated): TOPMed 0.00002; gnomAD 0.00005; ExAC 0.00009; 1000 Genomes Project 30x 0.00016; 1000 Genomes Project 0.00020.
gnomAD v4.1: 65 of 1,613,692 alleles (0.004%); highest among the groups gnomAD compares: Admixed American, 0.0067%; no homozygotes.

Submissions (2):

Labcorp Genetics (formerly Invitae), Labcorp
Classification: Uncertain significance. Last evaluated: 2025-10-02. Review status: criteria provided, single submitter. Criteria: Invitae Variant Classification Sherloc (09022015). Collection method: clinical testing. Allele origin: germline.
Comment: This sequence change replaces alanine, which is neutral and non-polar, with valine, which is neutral and non-polar, at codon 1550 of the FN1 protein (p.Ala1550Val). This variant is present in population databases (rs202245868, gnomAD 0.04%), and has an allele count higher than expected for a pathogenic variant. This variant has not been reported in the literature in individuals affected with FN1-related conditions. ClinVar contains an entry for this variant (Variation ID: 3019719). An algorithm developed to predict the effect of missense changes on protein structure and function (PolyPhen-2) suggests that this variant is likely to be tolerated. In summary, the available evidence is currently insufficient to determine the role of this variant in disease. Therefore, it has been classified as a Variant of Uncertain Significance.

Ambry Genetics
Classification: Likely benign for Inborn genetic diseases. Last evaluated: 2025-03-22. Review status: criteria provided, single submitter. Criteria: Ambry Variant Classification Scheme 2023. Collection method: clinical testing. Allele origin: germline.

NM_212482.4(FN1):c.4649C>T (p.Ala1550Val)

Gene: FN1 (fibronectin 1; minus strand). Cytogenetic location: 2q35.
Variant type: single nucleotide variant.
Coding change: c.4649C>T on transcript NM_212482.4 (MANE Select); coding-DNA position 4649, C replaced by T.
Protein change: p.Ala1550Val; replaces alanine 1550 with valine.
Molecular consequence: missense variant.
Genome position (GRCh38, 1-based): chr2:215,384,940, G>A on the plus strand (C>T on the coding strand, the complement: FN1 is on the minus strand). VCF-style: chr2-215384940-G-A. GRCh37 (hg19) VCF-style: chr2-216249663-G-A.
Other names: c.4649C>T (NM_212482.1); c.4649C>T, p.Ala1550Val (NM_001306129.2, NM_001306130.2, NM_001365517.2 and 3 more transcripts); c.4376C>T, p.Ala1459Val (NM_001306131.2, NM_001306132.2, NM_001365518.2 and 7 more transcripts); short protein forms A1459V, A1550V.
Identifiers: ClinVar variation 3019719 (VCV003019719.4), dbSNP rs202245868, ClinGen allele CA2094367.